The following is an entry in ClinVar:

NM_002528.7(NTHL1):c.332A>G (p.Tyr111Cys)

Gene: NTHL1 (nth like DNA glycosylase 1; minus strand). Cytogenetic location: 16p13.3.
Variant type: single nucleotide variant.
Coding change: c.332A>G on transcript NM_002528.7 (MANE Select); coding-DNA position 332, A replaced by G.
Protein change: p.Tyr111Cys; replaces tyrosine 111 with cysteine.
Molecular consequence: missense variant. On other transcripts: intron variant (1).
Genome position (GRCh38, 1-based): chr16:2,046,150, T>C on the plus strand (A>G on the coding strand, the complement: NTHL1 is on the minus strand). VCF-style: chr16-2046150-T-C. GRCh37 (hg19) VCF-style: chr16-2096151-T-C.
Other names: c.332A>G, p.Tyr111Cys (NM_001318193.2, LRG_1366t1); c.24+130A>G (NM_001318194.2); short protein forms Y111C.
Identifiers: ClinVar variation 647438 (VCV000647438.20), dbSNP rs138812334, ClinGen allele CA7828322.
Genomic context (GRCh38, chr16:2,046,150, plus strand): 5'-GATGGGGGGTCATCTGGGCAGATGGGGCCCCTGCCTACCTTTGGGGGGGCACTGGAGTCA[T>C]AGCAGTGCTCAGTCCCCAGATGGTCCACAGGTGCATCCTTTTTGTTCCTCATGGCACGGA-3'
Protein context (NP_002519.2, residues 101-121): PVDHLGTEHC[Tyr111Cys]DSSAPPKVRR

ClinVar aggregate classification (germline): Uncertain significance. Review status: criteria provided, multiple submitters, no conflicts (2 of 4 stars). 7 submissions from 7 submitters: Uncertain significance (7). Last evaluated 2025-12-23.

Conditions:
Familial adenomatous polyposis 3. Also called: NTHL1-associated polyposis; NTHL1-related attenuated familial adenomatous polyposis; NTHL1-Related Adenomatous Polyposis and Colorectal Cancer; NTHL1 Tumor Syndrome. Identifiers: Orphanet 220460, Orphanet 454840, MedGen C4225157, MONDO:0014630, OMIM 616415.
Hereditary cancer-predisposing syndrome. Also called: Neoplastic Syndromes, Hereditary; Hereditary Cancer Syndrome; Tumor predisposition; Hereditary neoplastic syndrome. Identifiers: Orphanet 140162, MedGen C0027672, MeSH D009386, MONDO:0015356.

Allele frequency attached by ClinVar (database versions not stated): TOPMed 0.00001; gnomAD 0.00002; gnomAD exomes 0.00002 and 0.00004; ExAC 0.00004; ESP Exome Variant Server 0.00008.
gnomAD v4.1: 35 of 1,612,814 alleles (0.0022%); highest among the groups gnomAD compares: Non-Finnish European, 0.0023%; no homozygotes.

Submissions (7):

Labcorp Genetics (formerly Invitae), Labcorp
Classification: Uncertain significance. Last evaluated: 2025-12-23. Review status: criteria provided, single submitter. Criteria: Invitae Variant Classification Sherloc (09022015). Collection method: clinical testing. Allele origin: germline.
Comment: This sequence change replaces tyrosine, which is neutral and polar, with cysteine, which is neutral and slightly polar, at codon 119 of the NTHL1 protein (p.Tyr119Cys). This variant is present in population databases (rs138812334, gnomAD 0.01%). This variant has not been reported in the literature in individuals affected with NTHL1-related conditions. ClinVar contains an entry for this variant (Variation ID: 647438). An algorithm developed to predict the effect of missense changes on protein structure and function outputs the following: PolyPhen-2: "Benign". The cysteine amino acid residue is found in multiple mammalian species, which suggests that this missense change does not adversely affect protein function. RNA analysis performed to evaluate the impact of this missense change on mRNA splicing indicates it does not significantly alter splicing (internal data). In summary, the available evidence is currently insufficient to determine the role of this variant in disease. Therefore, it has been classified as a Variant of Uncertain Significance.

Center for Genomic Medicine, Rigshospitalet, Copenhagen University Hospital
Classification: Uncertain significance. Last evaluated: 2025-03-04. Review status: criteria provided, single submitter. Criteria: ACMG Guidelines, 2015. Collection method: clinical testing. Allele origin: germline.

GeneDx
Classification: Uncertain significance. Last evaluated: 2024-11-08. Review status: criteria provided, single submitter. Criteria: GeneDx Variant Classification Process June 2021. Collection method: clinical testing. Allele origin: germline. Affected: yes.
Comment: Not observed at significant frequency in large population cohorts (gnomAD); In silico analysis indicates that this missense variant does not alter protein structure/function; Has not been previously published as pathogenic or benign to our knowledge; This variant is associated with the following publications: (PMID: 33980861)

Quest Diagnostics Nichols Institute San Juan Capistrano
Classification: Uncertain significance. Last evaluated: 2024-07-28. Review status: criteria provided, single submitter. Criteria: Quest Diagnostics criteria. Collection method: clinical testing. Allele origin: unknown.
Comment: The NTHL1 c.356A>G (p.Tyr119Cys) variant has been identified in the published literature in reportedly healthy individuals (PMID: 33980861 (2021)). The frequency of this variant in the general population, 0.000062 (7/113306 chromosomes (Genome Aggregation Database)), is uninformative in the assessment of its pathogenicity. Analysis of this variant using bioinformatics tools for the prediction of the effect of amino acid changes on protein structure and function yielded predictions that this variant is benign. Based on the available information, we are unable to determine the clinical significance of this variant.

Ambry Genetics
Classification: Uncertain significance for Hereditary cancer-predisposing syndrome. Last evaluated: 2024-04-25. Review status: criteria provided, single submitter. Criteria: Ambry Variant Classification Scheme 2023. Collection method: clinical testing. Allele origin: germline.
Comment: The p.Y119C variant (also known as c.356A>G), located in coding exon 2 of the NTHL1 gene, results from an A to G substitution at nucleotide position 356. The tyrosine at codon 119 is replaced by cysteine, an amino acid with highly dissimilar properties. This amino acid position is not well conserved in available vertebrate species. In addition, the in silico prediction for this alteration is inconclusive. Based on the available evidence, the clinical significance of this variant remains unclear.

Baylor Genetics
Classification: Uncertain significance for Familial adenomatous polyposis 3. Last evaluated: 2023-10-17. Review status: criteria provided, single submitter. Criteria: ACMG Guidelines, 2015. Collection method: clinical testing. Allele origin: unknown.

Sema4
Classification: Uncertain significance for Hereditary cancer-predisposing syndrome. Last evaluated: 2022-02-02. Review status: criteria provided, single submitter. Criteria: Sema4 Curation Guidelines. Collection method: curation. Allele origin: germline.
Comment: The NTHL1 c.356A>G (p.Y119C) variant has not been reported in individuals with NTHL1-related disease. It has been reported in a large case-control study of breast cancer in 2/19759 healthy controls and not in 27421 cases (PMID: 33980861). It was observed in 1/10054 chromosomes in the Ashkenazi Jewish subpopulation according to the Genome Aggregation Database (PMID: 32461654). This variant has been reported in ClinVar (Variation ID: 647438). Functional studies have not been performed, and in silico predictions of the variant's effect on protein function are inconclusive. The evidence is insufficient to meet ACMG/AMP criteria for classifying the variant as benign or pathogenic. Thus, the clinical significance of this variant is currently uncertain.

Literature cited by the submitters: PubMed 33980861 (cited by Quest Diagnostics Nichols Institute San Juan Capistrano and Sema4).